The following is an entry in ClinVar:

NM_057176.3(BSND):c.526C>T (p.Arg176Cys)

Gene: BSND (barttin CLCNK type accessory subunit beta; plus strand). Cytogenetic location: 1p32.3.
Variant type: single nucleotide variant.
Coding change: c.526C>T on transcript NM_057176.3 (MANE Select); coding-DNA position 526, C replaced by T.
Protein change: p.Arg176Cys; replaces arginine 176 with cysteine.
Molecular consequence: missense variant.
Genome position (GRCh38, 1-based): chr1:55,007,250, C>T. VCF-style: chr1-55007250-C-T. GRCh37 (hg19) VCF-style: chr1-55472923-C-T.
Other names: short protein forms R176C.
Identifiers: ClinVar variation 3040637 (VCV003040637.2), dbSNP rs201991745, ClinGen allele CA871356.

ClinVar aggregate classification (germline): Likely benign (0 of 4 stars; one submission).

Conditions:
BSND-related disorder. Also called: BSND-related condition.

Allele frequency attached by ClinVar (database versions not stated): gnomAD exomes 0.00004; gnomAD 0.00005; TOPMed 0.00007; ESP Exome Variant Server 0.00008; ExAC 0.00014; 1000 Genomes Project 30x 0.00047; 1000 Genomes Project 0.00060.
gnomAD v4.1: 69 of 1,609,306 alleles (0.0043%); highest among the groups gnomAD compares: East Asian, 0.11%; no homozygotes.

Submission:

PreventionGenetics, part of Exact Sciences
Classification: Likely benign for BSND-related condition. Last evaluated: 2022-09-08. Review status: no assertion criteria provided. Collection method: clinical testing. Allele origin: germline.
Comment: This variant is classified as likely benign based on ACMG/AMP sequence variant interpretation guidelines (Richards et al. 2015 PMID: 25741868, with internal and published modifications).